The following is an entry in ClinVar:

NM_198129.4(LAMA3):c.5061C>A (p.Cys1687Ter)

Gene: LAMA3 (laminin subunit alpha 3; plus strand). Cytogenetic location: 18q11.2.
Variant type: single nucleotide variant.
Coding change: c.5061C>A on transcript NM_198129.4 (MANE Select); coding-DNA position 5061, C replaced by A.
Protein change: p.Cys1687Ter; replaces cysteine 1687 with a stop codon.
Molecular consequence: nonsense.
Genome position (GRCh38, 1-based): chr18:23,876,356, C>A. VCF-style: chr18-23876356-C-A. GRCh37 (hg19) VCF-style: chr18-21456320-C-A.
Other names: c.234C>A, p.Cys78Ter (NM_000227.6, NM_001127718.4); c.5061C>A, p.Cys1687Ter (NM_001127717.4); short protein forms C1687*, C78*.
Identifiers: ClinVar variation 1324649 (VCV001324649.9), dbSNP rs2144862529, ClinGen allele CA402044979.

ClinVar aggregate classification (germline): Pathogenic/Likely pathogenic. Review status: criteria provided, multiple submitters, no conflicts (2 of 4 stars). 2 submissions from 2 submitters: Pathogenic (1); Likely pathogenic (1). Last evaluated 2022-11-01.

Submissions (2):

Revvity Omics, Revvity
Classification: Likely pathogenic. Last evaluated: 2022-11-01. Review status: criteria provided, single submitter. Criteria: ACMG Guidelines, 2015. Collection method: clinical testing. Allele origin: germline.

Labcorp Genetics (formerly Invitae), Labcorp
Classification: Pathogenic. Last evaluated: 2021-11-01. Review status: criteria provided, single submitter. Criteria: Invitae Variant Classification Sherloc (09022015). Collection method: clinical testing. Allele origin: germline.
Comment: For these reasons, this variant has been classified as Pathogenic. This variant has not been reported in the literature in individuals affected with LAMA3-related conditions. This variant is not present in population databases (gnomAD no frequency). This sequence change creates a premature translational stop signal (p.Cys78*) in the LAMA3 gene. It is expected to result in an absent or disrupted protein product. Loss-of-function variants in LAMA3 are known to be pathogenic (PMID: 10366601, 11810295, 12915477, 16473856, 17362460, 22434185, 23869449, 27827380, 28087116).

Literature cited by the submitters: PubMed 10366601 (cited by Labcorp Genetics (formerly Invitae), Labcorp); PubMed 11810295 (cited by Labcorp Genetics (formerly Invitae), Labcorp); PubMed 12915477 (cited by Labcorp Genetics (formerly Invitae), Labcorp); PubMed 16473856 (cited by Labcorp Genetics (formerly Invitae), Labcorp); PubMed 17362460 (cited by Labcorp Genetics (formerly Invitae), Labcorp); PubMed 22434185 (cited by Labcorp Genetics (formerly Invitae), Labcorp); PubMed 23869449 (cited by Labcorp Genetics (formerly Invitae), Labcorp); PubMed 27827380 (cited by Labcorp Genetics (formerly Invitae), Labcorp); PubMed 28087116 (cited by Labcorp Genetics (formerly Invitae), Labcorp).